The following is an entry in ClinVar:

ClinVar aggregate classification (germline): Pathogenic/Likely pathogenic. Review status: criteria provided, multiple submitters, no conflicts (2 of 4 stars). 2 submissions from 2 submitters: Pathogenic (1); Likely pathogenic (1). Last evaluated 2022-06-11.

Conditions:
Spastic paraplegia. Identifiers: MedGen C0037772, HP:0001258.

Submissions (2):

Labcorp Genetics (formerly Invitae), Labcorp
Classification: Pathogenic for Spastic paraplegia. Last evaluated: 2022-06-11. Review status: criteria provided, single submitter. Criteria: Invitae Variant Classification Sherloc (09022015). Collection method: clinical testing. Allele origin: germline.
Comment: For these reasons, this variant has been classified as Pathogenic. This variant disrupts a region of the SACS protein in which other variant(s) (p.Tyr4538*) have been determined to be pathogenic (Invitae). This suggests that this is a clinically significant region of the protein, and that variants that disrupt it are likely to be disease-causing. ClinVar contains an entry for this variant (Variation ID: 1335972). This variant has not been reported in the literature in individuals affected with SACS-related conditions. This variant is not present in population databases (gnomAD no frequency). This sequence change creates a premature translational stop signal (p.Val1104Cysfs*8) in the SACS gene. While this is not anticipated to result in nonsense mediated decay, it is expected to disrupt the last 3476 amino acid(s) of the SACS protein.

Genetic Services Laboratory, University of Chicago
Classification: Likely pathogenic. Last evaluated: 2022-01-11. Review status: criteria provided, single submitter. Criteria: ACMG Guidelines, 2015. Collection method: clinical testing. Allele origin: germline. Affected: yes.

NM_014363.6(SACS):c.3309dup (p.Val1104fs)

Gene: SACS (sacsin molecular chaperone; minus strand). Cytogenetic location: 13q12.12.
Variant type: Duplication.
Coding change: c.3309dup on transcript NM_014363.6 (MANE Select); coding-DNA position 3309, one base duplicated (T; older notation c.3309dupT).
Protein change: p.Val1104fs; shifts the reading frame from valine 1104.
Molecular consequence: frameshift variant.
Genome position (GRCh38, 1-based): chr13:23,340,567, A duplicated on the plus strand (T on the coding strand, the reverse complement: SACS is on the minus strand); the first of 2 consecutive A bases (chr13:23,340,567-23,340,568); duplicating either gives the same sequence. VCF-style (leftmost placement, unchanged base first): chr13-23340566-C-CA. GRCh37 (hg19) VCF-style: chr13-23914705-C-CA.
Other names: c.2868dup, p.Val957fs (NM_001278055.2); short protein forms V1104fs, V957fs.
Identifiers: ClinVar variation 1335972 (VCV001335972.8), dbSNP rs2137636629, ClinGen allele CA2573053791.